The following is an entry in ClinVar:

NM_001278116.2(L1CAM):c.854C>G (p.Ala285Gly)

Gene: L1CAM (L1 cell adhesion molecule; minus strand). Cytogenetic location: Xq28.
Variant type: single nucleotide variant.
Coding change: c.854C>G on transcript NM_001278116.2 (MANE Select); coding-DNA position 854, C replaced by G.
Protein change: p.Ala285Gly; replaces alanine 285 with glycine.
Molecular consequence: missense variant.
Genome position (GRCh38, 1-based): chrX:153,870,193, G>C on the plus strand (C>G on the coding strand, the complement: L1CAM is on the minus strand). VCF-style: chrX-153870193-G-C. GRCh37 (hg19) VCF-style: chrX-153135648-G-C.
Other names: c.854C>G, p.Ala285Gly (NM_000425.5, NM_024003.3); c.839C>G, p.Ala280Gly (NM_001143963.2); short protein forms A280G, A285G.
Identifiers: ClinVar variation 3772345 (VCV003772345.13).

ClinVar aggregate classification (germline): Uncertain significance (1 of 4 stars; one submission).

gnomAD v4.1: 1 of 1,212,016 alleles (0.000083%); highest among the groups gnomAD compares: Non-Finnish European, 0.00011%; no homozygotes.

Submission:

CeGaT Center for Human Genetics Tuebingen
Classification: Uncertain significance. Last evaluated: 2025-01-01. Review status: criteria provided, single submitter. Criteria: CeGaT Center For Human Genetics Tuebingen Variant Classification Criteria Version 2. Collection method: clinical testing. Allele origin: germline. Affected: yes. Observed: 1 variant allele.
Comment: L1CAM: PM2, BP4